The following is an entry in ClinVar:

ClinVar aggregate classification (germline): Likely pathogenic (0 of 4 stars; one submission).

Conditions:
Retinitis pigmentosa (RP). Identifiers: Orphanet 791, MedGen C0035334, MeSH D012174, MONDO:0019200, OMIM 268000. Inheritance: Autosomal dominant, autosomal recessive and X linked inheritance.

Submission:

Department of Ophthalmology and Visual Sciences Kyoto University
Classification: Likely pathogenic for Retinitis pigmentosa. Review status: no assertion criteria provided. Collection method: not provided. Allele origin: unknown.
ClinVar note: Converted during submission from probable-pathogenic to Likely pathogenic.

NM_206933.2(USH2A):c.8682delG

Gene: USH2A (usherin; minus strand). Cytogenetic location: 1q41.
Variant type: Deletion.
Coding change: c.8682delG on transcript NM_206933.2; coding-DNA position 8682, one base deleted (G).
Genome position (GRCh38, 1-based): chr1:215,867,170, C deleted on the plus strand (G on the coding strand, the reverse complement: USH2A is on the minus strand); the first of 2 consecutive C bases (chr1:215,867,170-215,867,171); deleting either gives the same sequence. VCF-style (leftmost placement, unchanged base first): chr1-215867169-AC-A. GRCh37 (hg19) VCF-style: chr1-216040511-AC-A.
Identifiers: ClinVar variation 143184 (VCV000143184.4), dbSNP rs527236120, ClinGen allele CA270161.